The following is an entry in ClinVar:

NM_139125.4(MASP1):c.7T>C (p.Trp3Arg)

Genes: MASP1 (MBL associated serine protease 1; minus strand), LOC108281160 (MED14-independent group 3 enhancer GRCh37_chr3:187003628-187004827; plus strand). Cytogenetic location: 3q27.3.
Variant type: single nucleotide variant.
Coding change: c.7T>C on transcript NM_139125.4 (MANE Select); coding-DNA position 7, T replaced by C.
Protein change: p.Trp3Arg; replaces tryptophan 3 with arginine.
Molecular consequence: missense variant.
Genome position (GRCh38, 1-based): chr3:187,286,055, A>G on the plus strand (T>C on the coding strand, the complement: MASP1 is on the minus strand). VCF-style: chr3-187286055-A-G. GRCh37 (hg19) VCF-style: chr3-187003843-A-G.
Other names: c.7T>C, p.Trp3Arg (NM_001031849.3, NM_001879.6); c.7T>C (NM_139125.3); short protein forms W3R.
Identifiers: ClinVar variation 594589 (VCV000594589.9), dbSNP rs139529455, ClinGen allele CA2749741.

ClinVar aggregate classification (germline): Uncertain significance. Review status: criteria provided, multiple submitters, no conflicts (2 of 4 stars). 3 submissions from 3 submitters: Uncertain significance (3). Last evaluated 2025-02-20.

Conditions:
Inborn genetic diseases. Identifiers: MedGen C0950123, MeSH D030342.

Allele frequency attached by ClinVar (database versions not stated): ExAC 0.00009; ESP Exome Variant Server 0.00031; TOPMed 0.00033; gnomAD 0.00035; 1000 Genomes Project 0.00040; 1000 Genomes Project 30x 0.00062; gnomAD exomes 0.00008.
gnomAD v4.1: 88 of 1,612,490 alleles (0.0055%); highest among the groups gnomAD compares: African/African-American, 0.1%; no homozygotes.

Submissions (3):

GeneDx
Classification: Uncertain significance. Last evaluated: 2025-02-20. Review status: criteria provided, single submitter. Criteria: GeneDx Variant Classification Process June 2021. Collection method: clinical testing. Allele origin: germline. Affected: yes.
Comment: In silico analysis indicates that this missense variant does not alter protein structure/function; Has not been previously published as pathogenic or benign to our knowledge

Ambry Genetics
Classification: Uncertain significance for Inborn genetic diseases. Last evaluated: 2021-10-14. Review status: criteria provided, single submitter. Criteria: Ambry Variant Classification Scheme 2023. Collection method: clinical testing. Allele origin: germline.

Eurofins Ntd Llc (ga)
Classification: Uncertain significance. Last evaluated: 2017-11-02. Review status: criteria provided, single submitter. Criteria: EGL Classification Definitions 2015. Collection method: clinical testing. Allele origin: germline. Observed: 2 variant alleles, 2 heterozygotes.